The following is an entry in ClinVar:

NM_006757.4(TNNT3):c.584A>C (p.Lys195Thr)

Gene: TNNT3 (troponin T3, fast skeletal type; plus strand). Cytogenetic location: 11p15.5.
Variant type: single nucleotide variant.
Coding change: c.584A>C on transcript NM_006757.4 (MANE Select); coding-DNA position 584, A replaced by C.
Protein change: p.Lys195Thr; replaces lysine 195 with threonine.
Molecular consequence: missense variant.
Genome position (GRCh38, 1-based): chr11:1,934,649, A>C. VCF-style: chr11-1934649-A-C. GRCh37 (hg19) VCF-style: chr11-1955879-A-C.
Other names: c.560A>C, p.Lys187Thr (NM_001042780.3, NM_001042782.3, NM_001297646.2 and 2 more transcripts); c.578A>C, p.Lys193Thr (NM_001042781.3, NM_001367842.1, NM_001367843.1); c.593A>C, p.Lys198Thr (NM_001363561.2, NM_001367847.1); c.617A>C, p.Lys206Thr (NM_001367846.1); c.581A>C, p.Lys194Thr (NM_001367848.1); c.572A>C, p.Lys191Thr (NM_001367849.1); c.527A>C, p.Lys176Thr (NM_001367850.1); c.380A>C, p.Lys127Thr (NM_001367851.1, NM_001367852.1); short protein forms K187T, K191T, K198T, K194T, K195T, K193T, K206T, K127T.
Identifiers: ClinVar variation 4703366 (VCV004703366.1).

ClinVar aggregate classification (germline): Uncertain significance (1 of 4 stars; one submission).

gnomAD v4.1: 7 of 1,608,818 alleles (0.00044%); highest among the groups gnomAD compares: Non-Finnish European, 0.00051%; no homozygotes.

Submission:

Labcorp Genetics (formerly Invitae), Labcorp
Classification: Uncertain significance. Last evaluated: 2025-02-26. Review status: criteria provided, single submitter. Criteria: Invitae Variant Classification Sherloc (09022015). Collection method: clinical testing. Allele origin: germline.
Comment: This sequence change replaces lysine, which is basic and polar, with threonine, which is neutral and polar, at codon 195 of the TNNT3 protein (p.Lys195Thr). This variant is not present in population databases (gnomAD no frequency). This variant has not been reported in the literature in individuals affected with TNNT3-related conditions. An algorithm developed to predict the effect of missense changes on protein structure and function (PolyPhen-2) suggests that this variant is likely to be disruptive. In summary, the available evidence is currently insufficient to determine the role of this variant in disease. Therefore, it has been classified as a Variant of Uncertain Significance.